The following is an entry in ClinVar:

NM_152268.4(PARS2):c.954A>G (p.Ser318=)

Gene: PARS2 (prolyl-tRNA synthetase 2, mitochondrial; minus strand). Cytogenetic location: 1p32.3.
Variant type: single nucleotide variant.
Coding change: c.954A>G on transcript NM_152268.4 (MANE Select); coding-DNA position 954, A replaced by G.
Protein change: p.Ser318=; no amino-acid change (serine 318 retained).
Molecular consequence: synonymous variant.
Genome position (GRCh38, 1-based): chr1:54,758,208, T>C on the plus strand (A>G on the coding strand, the complement: PARS2 is on the minus strand). VCF-style: chr1-54758208-T-C. GRCh37 (hg19) VCF-style: chr1-55223881-T-C.
Identifiers: ClinVar variation 4823528 (VCV004823528.4).

ClinVar aggregate classification (germline): Likely benign (1 of 4 stars; one submission).

Submission:

CeGaT Center for Human Genetics Tuebingen
Classification: Likely benign. Last evaluated: 2026-03-01. Review status: criteria provided, single submitter. Criteria: CeGaT Center For Human Genetics Tuebingen Variant Classification Criteria Version 2. Collection method: clinical testing. Allele origin: germline. Affected: yes. Observed: 1 variant allele.
Comment: PARS2: PM2:Supporting, BP4, BP7